The following is an entry in ClinVar:

NM_000097.7(CPOX):c.732C>T (p.Ser244=)

Gene: CPOX (coproporphyrinogen oxidase; minus strand). Cytogenetic location: 3q11.2.
Variant type: single nucleotide variant.
Coding change: c.732C>T on transcript NM_000097.7 (MANE Select); coding-DNA position 732, C replaced by T.
Protein change: p.Ser244=; no amino-acid change (serine 244 retained).
Molecular consequence: synonymous variant.
Genome position (GRCh38, 1-based): chr3:98,590,711, G>A on the plus strand (C>T on the coding strand, the complement: CPOX is on the minus strand). VCF-style: chr3-98590711-G-A. GRCh37 (hg19) VCF-style: chr3-98309555-G-A.
Other names: p.Ser244=.
Identifiers: ClinVar variation 2052603 (VCV002052603.5), dbSNP rs373142897, ClinGen allele CA2511622.

ClinVar aggregate classification (germline): Likely benign. Review status: criteria provided, multiple submitters, no conflicts (2 of 4 stars). 2 submissions from 2 submitters: Likely benign (2). Last evaluated 2025-10-21.

Allele frequency attached by ClinVar (database versions not stated): ESP Exome Variant Server 0.00015; TOPMed 0.00002; gnomAD 0.00001; ExAC 0.00002; gnomAD exomes 0.00002.
gnomAD v4.1: 36 of 1,613,824 alleles (0.0022%); highest among the groups gnomAD compares: Non-Finnish European, 0.0028%; no homozygotes.

Submissions (2):

Mayo Clinic Laboratories, Mayo Clinic
Classification: Likely benign. Last evaluated: 2025-10-21. Review status: criteria provided, single submitter. Criteria: ACMG Guidelines, 2015. Collection method: clinical testing. Allele origin: germline. Observed: 2 variant alleles.
Comment: BP4, BP7

Labcorp Genetics (formerly Invitae), Labcorp
Classification: Likely benign. Last evaluated: 2025-05-21. Review status: criteria provided, single submitter. Criteria: Invitae Variant Classification Sherloc (09022015). Collection method: clinical testing. Allele origin: germline.